The following is an entry in ClinVar:

ClinVar aggregate classification (germline): Conflicting classifications of pathogenicity. Review status: criteria provided, conflicting classifications (1 of 4 stars). 2 submissions from 2 submitters: Uncertain significance (1); Benign (1). Last evaluated 2024-07-11.

Conditions:
Hereditary nonpolyposis colorectal neoplasms. Identifiers: MedGen C0009405, MeSH D003123.
Hereditary cancer-predisposing syndrome. Also called: Hereditary Cancer Syndrome; Neoplastic Syndromes, Hereditary; Hereditary neoplastic syndrome; Tumor predisposition. Identifiers: Orphanet 140162, MedGen C0027672, MeSH D009386, MONDO:0015356.

Allele frequency attached by ClinVar (database versions not stated): TOPMed below 0.00001.
gnomAD v4.1: 1 of 1,614,130 alleles (0.000062%); no homozygotes.

Submissions (2):

Labcorp Genetics (formerly Invitae), Labcorp
Classification: Uncertain significance for Hereditary nonpolyposis colorectal neoplasms. Last evaluated: 2024-07-11. Review status: criteria provided, single submitter. Criteria: Invitae Variant Classification Sherloc (09022015). Collection method: clinical testing. Allele origin: germline.
Comment: This sequence change replaces alanine, which is neutral and non-polar, with threonine, which is neutral and polar, at codon 1064 of the MSH6 protein (p.Ala1064Thr). This variant is not present in population databases (gnomAD no frequency). This variant has not been reported in the literature in individuals affected with MSH6-related conditions. ClinVar contains an entry for this variant (Variation ID: 142482). Advanced modeling of protein sequence and biophysical properties (such as structural, functional, and spatial information, amino acid conservation, physicochemical variation, residue mobility, and thermodynamic stability) performed at Invitae indicates that this missense variant is not expected to disrupt MSH6 protein function with a negative predictive value of 95%. Experimental studies have shown that this missense change does not substantially affect MSH6 function (PMID: 31965077). In summary, the available evidence is currently insufficient to determine the role of this variant in disease. Therefore, it has been classified as a Variant of Uncertain Significance.

Ambry Genetics
Classification: Benign for Hereditary cancer-predisposing syndrome. Last evaluated: 2021-09-16. Review status: criteria provided, single submitter. Criteria: Ambry Variant Classification Scheme 2023. Collection method: clinical testing. Allele origin: germline.

Literature cited by the submitters: PubMed 31965077 (cited by Labcorp Genetics (formerly Invitae), Labcorp and Ambry Genetics).

NM_000179.3(MSH6):c.3190G>A (p.Ala1064Thr)

Gene: MSH6 (mutS homolog 6; plus strand). Cytogenetic location: 2p16.3.
Variant type: single nucleotide variant.
Coding change: c.3190G>A on transcript NM_000179.3 (MANE Select); coding-DNA position 3190, G replaced by A.
Protein change: p.Ala1064Thr; replaces alanine 1064 with threonine.
Molecular consequence: missense variant.
Genome position (GRCh38, 1-based): chr2:47,803,437, G>A. VCF-style: chr2-47803437-G-A. GRCh37 (hg19) VCF-style: chr2-48030576-G-A.
Other names: c.2800G>A, p.Ala934Thr (NM_001281492.2); c.2284G>A, p.Ala762Thr (NM_001281493.2, NM_001281494.2); short protein forms A1064T, A934T, A762T.
Identifiers: ClinVar variation 142482 (VCV000142482.8), dbSNP rs587782492, ClinGen allele CA011817.